The following is an entry in ClinVar:

ClinVar aggregate classification (germline): Uncertain significance (3 of 4 stars; one submission).

Conditions:
Phenylketonuria (PKU). Also called: Phenylketonurias; FOLLING DISEASE; Phenylketonuria (PKU); OLIGOPHRENIA PHENYLPYRUVICA. Identifiers: Orphanet 716, MedGen C0031485, MONDO:0009861, OMIM 261600. Disease mechanism: loss of function.

Submission:

ClinGen PAH Variant Curation Expert Panel
Classification: Uncertain significance for Phenylketonuria. Last evaluated: 2020-05-08. Review status: reviewed by expert panel. Criteria: ClinGen PAH ACMG Specifications v1. Collection method: curation. Allele origin: germline. Inheritance: Autosomal recessive inheritance.
Comment: Thec.1194A>C (p.Lys398Asn) PAH variant has been reported in at least on mild HPA probrand (PMID: 17096675), having a compound heterozygous genotype with c.442-5C>G. This variant is absent from population databases, including gnomAD, ExAC, 1000 Genomes, or ESP. It is a missense variant predicted deleterious by SIFT (damaging), Polyphen (probably damaging) and MutationTaster (disease causing), with a REVEL score of 0.899. In summary, this variant meets criteria to be classified as uncertain significance for PAH. PAH-specific ACMG/AMP criteria applied: PM2, PP3, PP4.

NM_000277.3(PAH):c.1194A>C (p.Lys398Asn)

Gene: PAH (phenylalanine hydroxylase; minus strand). Cytogenetic location: 12q23.2.
Variant type: single nucleotide variant.
Coding change: c.1194A>C on transcript NM_000277.3 (MANE Select); coding-DNA position 1194, A replaced by C.
Protein change: p.Lys398Asn; replaces lysine 398 with asparagine.
Molecular consequence: missense variant.
Genome position (GRCh38, 1-based): chr12:102,843,651, T>G on the plus strand (A>C on the coding strand, the complement: PAH is on the minus strand). VCF-style: chr12-102843651-T-G. GRCh37 (hg19) VCF-style: chr12-103237429-T-G.
Other names: NM_001354304.2:c.1194A>C; c.1194A>C, p.Lys398Asn (NM_001354304.2); short protein forms K398N.
Identifiers: ClinVar variation 1693228 (VCV001693228.1), dbSNP rs199475638, ClinGen allele CA16020959.